The following is an entry in ClinVar:

ClinVar aggregate classification (germline): Conflicting classifications of pathogenicity. Review status: criteria provided, conflicting classifications (1 of 4 stars). 6 submissions from 5 submitters: Uncertain significance (4); Likely benign (2). Last evaluated 2025-07-06.

Conditions:
Inborn genetic diseases. Identifiers: MedGen C0950123, MeSH D030342.
Familial hemiplegic migraine. Identifiers: MedGen C0338484, MONDO:0000700.
Alternating hemiplegia of childhood 1 (AHC1). Identifiers: Orphanet 2131, MedGen C3549447, MONDO:0007087, OMIM 104290.
Migraine, familial hemiplegic, 2. Identifiers: Orphanet 569, MedGen C1865322, MONDO:0011232, OMIM 602481.

Allele frequency attached by ClinVar (database versions not stated): ExAC 0.00002; gnomAD exomes 0.00004 and 0.00011; gnomAD 0.00006 and 0.00007; TOPMed 0.00006; 1000 Genomes Project 30x 0.00016.
gnomAD v4.1: 172 of 1,614,186 alleles (0.011%); highest among the groups gnomAD compares: Non-Finnish European, 0.013%; no homozygotes.

Submissions (6):

Labcorp Genetics (formerly Invitae), Labcorp
Classification: Uncertain significance for Familial hemiplegic migraine. Last evaluated: 2025-07-06. Review status: criteria provided, single submitter. Criteria: Invitae Variant Classification Sherloc (09022015). Collection method: clinical testing. Allele origin: germline.
Comment: This sequence change affects codon 607 of the ATP1A2 mRNA. It is a 'silent' change, meaning that it does not change the encoded amino acid sequence of the ATP1A2 protein. This variant is present in population databases (rs771085157, gnomAD 0.008%). This variant has not been reported in the literature in individuals affected with ATP1A2-related conditions. ClinVar contains an entry for this variant (Variation ID: 204892). Algorithms developed to predict the effect of sequence changes on RNA splicing suggest that this variant may create or strengthen a splice site. In summary, the available evidence is currently insufficient to determine the role of this variant in disease. Therefore, it has been classified as a Variant of Uncertain Significance.

Ambry Genetics
Classification: Uncertain significance for Inborn genetic diseases. Last evaluated: 2024-08-14. Review status: criteria provided, single submitter. Criteria: Ambry Variant Classification Scheme 2023. Collection method: clinical testing. Allele origin: germline.
Comment: Unlikely to be causative of ATP1A2-related neurologic disorders (AD) Based on insufficient or conflicting evidence, the clinical significance of this alteration remains unclear.

GeneDx
Classification: Uncertain significance. Last evaluated: 2024-05-13. Review status: criteria provided, single submitter. Criteria: GeneDx Variant Classification Process June 2021. Collection method: clinical testing. Allele origin: germline. Affected: yes.
Comment: In silico analysis supports a deleterious effect on splicing; Has not been previously published as pathogenic or benign to our knowledge

Blueprint Genetics
Classification: Likely benign. Last evaluated: 2023-08-23. Review status: criteria provided, single submitter. Criteria: ACMG Guidelines, 2015. Collection method: clinical testing. Allele origin: germline.

Illumina Laboratory Services, Illumina
Classification: Likely benign for Alternating hemiplegia of childhood 1. Last evaluated: 2018-01-13. Review status: criteria provided, single submitter. Criteria: ICSL Variant Classification Criteria 13 December 2019. Collection method: clinical testing. Allele origin: germline.
Comment: This variant was observed in the ICSL laboratory as part of a predisposition screen in an ostensibly healthy population. It had not been previously curated by ICSL or reported in the Human Gene Mutation Database (HGMD: prior to June 1st, 2018), and was therefore a candidate for classification through an automated scoring system. Utilizing variant allele frequency, disease prevalence and penetrance estimates, and inheritance mode, an automated score was calculated to assess if this variant is too frequent to cause the disease. Based on the score and internal cut-off values, a variant classified as likely benign is not then subjected to further curation. The score for this variant resulted in a classification of likely benign for this disease.

Illumina Laboratory Services, Illumina
Classification: Uncertain significance for Migraine, familial hemiplegic, 2. Last evaluated: 2018-01-13. Review status: criteria provided, single submitter. Criteria: ICSL Variant Classification Criteria 13 December 2019. Collection method: clinical testing. Allele origin: germline.

NM_000702.4(ATP1A2):c.1821C>T (p.Gly607=)

Gene: ATP1A2 (ATPase Na+/K+ transporting subunit alpha 2; plus strand). Cytogenetic location: 1q23.2.
Variant type: single nucleotide variant.
Coding change: c.1821C>T on transcript NM_000702.4 (MANE Select); coding-DNA position 1821, C replaced by T.
Protein change: p.Gly607=; no amino-acid change (glycine 607 retained).
Molecular consequence: synonymous variant.
Genome position (GRCh38, 1-based): chr1:160,130,591, C>T. VCF-style: chr1-160130591-C-T. GRCh37 (hg19) VCF-style: chr1-160100381-C-T.
Other names: p.G607G:GGC>GGT.
Identifiers: ClinVar variation 204892 (VCV000204892.22), dbSNP rs771085157, ClinGen allele CA313295.
Genomic context (GRCh38, chr1:160,130,591, plus strand): 5'-TATGATTGACCCTCCCCGGGCTGCTGTGCCAGATGCTGTGGGCAAGTGCCGAAGCGCAGG[C>T]ATCAAGGTACTGGCCTCCCATCCTCCCCTCCATTCTAGCCTCCCCCATGCCAGAGTTCAA-3'
Protein context (NP_000693.1, residues 597-617): PDAVGKCRSA[Gly607=]IKVIMVTGDH